The following is an entry in ClinVar:

ClinVar aggregate classification (germline): Uncertain significance. Review status: criteria provided, multiple submitters, no conflicts (2 of 4 stars). 3 submissions from 3 submitters: Uncertain significance (3). Last evaluated 2025-02-04.

Conditions:
Charcot-Marie-Tooth disease type 4E (CHN1). Also called: Hypomyelinating neuropathy, congenital, 1; HYPOMYELINATION, SEVERE CONGENITAL; CHARCOT-MARIE-TOOTH DISEASE, DEMYELINATING, TYPE 4E; Congenital Hypomyelination; Congenital hypomyelinating neuropathy 1, autosomal recessive. Identifiers: Orphanet 99951, MedGen C4721436, MONDO:0011527, OMIM 605253.
Charcot-Marie-Tooth disease, type I (CMT1). Also called: Charcot-Marie-Tooth, Type 1; Charcot-Marie-Tooth disease type 1. Identifiers: Orphanet 65753, MedGen C0751036, MONDO:0019011.

Submissions (3):

Labcorp Genetics (formerly Invitae), Labcorp
Classification: Uncertain significance for Charcot-Marie-Tooth disease, type I. Last evaluated: 2025-02-04. Review status: criteria provided, single submitter. Criteria: Invitae Variant Classification Sherloc (09022015). Collection method: clinical testing. Allele origin: germline.
Comment: This variant, c.906_911dup, results in the insertion of 2 amino acid(s) of the EGR2 protein (p.Ala308_Ala309dup), but otherwise preserves the integrity of the reading frame. This variant is present in population databases (no rsID available, gnomAD 0.001%). This variant has been observed in individual(s) with autosomal recessive severe infantile muscular atrophy (PMID: 33600046). ClinVar contains an entry for this variant (Variation ID: 955998). Experimental studies and prediction algorithms are not available or were not evaluated, and the functional significance of this variant is currently unknown. In summary, the available evidence is currently insufficient to determine the role of this variant in disease. Therefore, it has been classified as a Variant of Uncertain Significance.

GeneDx
Classification: Uncertain significance. Last evaluated: 2024-03-06. Review status: criteria provided, single submitter. Criteria: GeneDx Variant Classification Process June 2021. Collection method: clinical testing. Allele origin: germline. Affected: yes.
Comment: Observed in apparent homozygous state in a patient with severe infantile muscular atrophy in the literature (PMID: 33600046); In-frame duplication of 2 amino acids in a non-repeat region; Not observed at significant frequency in large population cohorts (gnomAD); This variant is associated with the following publications: (PMID: 33600046)

Institute of Human Genetics, Cologne University
Classification: Uncertain significance for Charcot-Marie-Tooth disease type 4E. Last evaluated: 2020-09-30. Review status: criteria provided, single submitter. Criteria: ACMG Guidelines, 2015. Collection method: research. Allele origin: germline. Affected: yes.

Literature cited by the submitters: PubMed 33600046 (cited by Labcorp Genetics (formerly Invitae), Labcorp).

NM_000399.5(EGR2):c.897AGC[7] (p.Ala308_Ala309dup)

Gene: EGR2 (early growth response 2; minus strand). Cytogenetic location: 10q21.3.
Variant type: Microsatellite.
Coding change: c.897AGC[7] on transcript NM_000399.5 (MANE Select); seven copies in a row of the 3-base unit AGC starting at c.897; the reference has five copies in a row; two copies, 6 bases duplicated.
Protein change: p.Ala308_Ala309dup.
Molecular consequence: inframe insertion.
Genome position (GRCh38, 1-based): chr10:62,813,727-62,813,732, GCTGCT duplicated on the plus strand (AGCAGC on the coding strand, the reverse complement: EGR2 is on the minus strand); duplicating any 6 consecutive bases within chr10:62,813,727-62,813,742 gives the same sequence; the position shown is the placement nearest the transcript's 3' end. VCF-style (leftmost placement, unchanged base first): chr10-62813726-G-GGCTGCT. GRCh37 (hg19) VCF-style: chr10-64573486-G-GGCTGCT.
Other names: c.906_911dup (NM_001136178.1); c.897AGC[7], p.Ala308_Ala309dup (NM_001136177.3, NM_001136178.2); c.747AGC[7], p.Ala258_Ala259dup (NM_001136179.3, NM_001321037.2).
Identifiers: ClinVar variation 955998 (VCV000955998.12), dbSNP rs746688326, ClinGen allele CA594255116.